The following is an entry in ClinVar:

ClinVar aggregate classification (germline): Uncertain significance (1 of 4 stars; one submission).

Conditions:
Joubert syndrome 21 (JBTS21). Identifiers: MedGen C3810212, MONDO:0014288, OMIM 615636.

Submission:

Labcorp Genetics (formerly Invitae), Labcorp
Classification: Uncertain significance for Joubert syndrome 21. Last evaluated: 2023-07-14. Review status: criteria provided, single submitter. Criteria: Invitae Variant Classification Sherloc (09022015). Collection method: clinical testing. Allele origin: germline.
Comment: In summary, the available evidence is currently insufficient to determine the role of this variant in disease. Therefore, it has been classified as a Variant of Uncertain Significance. An algorithm developed to predict the effect of missense changes on protein structure and function (PolyPhen-2) suggests that this variant is likely to be tolerated. ClinVar contains an entry for this variant (Variation ID: 1370112). This variant has not been reported in the literature in individuals affected with CSPP1-related conditions. This variant is not present in population databases (gnomAD no frequency). This sequence change replaces proline, which is neutral and non-polar, with alanine, which is neutral and non-polar, at codon 179 of the CSPP1 protein (p.Pro179Ala).

NM_001382391.1(CSPP1):c.508C>G (p.Pro170Ala)

Gene: CSPP1 (centrosome and spindle pole associated protein 1; plus strand). Cytogenetic location: 8q13.1.
Variant type: single nucleotide variant.
Coding change: c.508C>G on transcript NM_001382391.1 (MANE Select); coding-DNA position 508, C replaced by G.
Protein change: p.Pro170Ala; replaces proline 170 with alanine.
Molecular consequence: missense variant. On other transcripts: 5 prime UTR variant (1).
Genome position (GRCh38, 1-based): chr8:67,095,317, C>G. VCF-style: chr8-67095317-C-G. GRCh37 (hg19) VCF-style: chr8-68007552-C-G.
Other names: c.-348C>G (NM_001291339.2); c.427C>G, p.Pro143Ala (NM_001363131.2, NM_001363133.2); c.508C>G, p.Pro170Ala (NM_001363132.2); c.616C>G, p.Pro206Ala (NM_001364869.1); c.535C>G, p.Pro179Ala (NM_001364870.1, NM_024790.7); short protein forms P143A, P170A, P179A, P206A.
Identifiers: ClinVar variation 1370112 (VCV001370112.8), dbSNP rs2129545447, ClinGen allele CA371190049.